The following is an entry in ClinVar:

NM_001378418.1(TCF20):c.5034A>C (p.Glu1678Asp)

Gene: TCF20 (transcription factor 20; minus strand). Cytogenetic location: 22q13.2.
Variant type: single nucleotide variant.
Coding change: c.5034A>C on transcript NM_001378418.1 (MANE Select); coding-DNA position 5034, A replaced by C.
Protein change: p.Glu1678Asp; replaces glutamic acid 1678 with aspartic acid.
Molecular consequence: missense variant.
Genome position (GRCh38, 1-based): chr22:42,210,272, T>G on the plus strand (A>C on the coding strand, the complement: TCF20 is on the minus strand). VCF-style: chr22-42210272-T-G. GRCh37 (hg19) VCF-style: chr22-42606278-T-G.
Other names: c.5034A>C, p.Glu1678Asp (NM_005650.4, NM_181492.3); short protein forms E1678D.
Identifiers: ClinVar variation 4997104 (VCV004997104.1).

ClinVar aggregate classification (germline): Uncertain significance (1 of 4 stars; one submission).

Conditions:
TCF20-related disorder. Also called: TCF20-related condition.

Submission:

PreventionGenetics, part of Exact Sciences
Classification: Uncertain significance for TCF20-related condition. Last evaluated: 2024-12-17. Review status: criteria provided, single submitter. Criteria: ACMG Guidelines, 2015. Collection method: clinical testing. Allele origin: germline.
Comment: The TCF20 c.5034A>C variant is predicted to result in the amino acid substitution p.Glu1678Asp. To our knowledge, this variant has not been reported in the literature or in a large population database (gnomAD), indicating this variant is rare. At this time, the clinical significance of this variant is uncertain due to the absence of conclusive functional and genetic evidence.